The following is an entry in ClinVar:

ClinVar aggregate classification (germline): Uncertain significance (1 of 4 stars; one submission).

Conditions:
Neuroblastoma, susceptibility to, 3. Also called: ALK-Related Neuroblastic Tumor Susceptibility. Identifiers: Orphanet 635, MedGen C2751681, MONDO:0013083, OMIM 613014.

Submission:

Labcorp Genetics (formerly Invitae), Labcorp
Classification: Uncertain significance for Neuroblastoma, susceptibility to, 3. Last evaluated: 2022-11-23. Review status: criteria provided, single submitter. Criteria: Invitae Variant Classification Sherloc (09022015). Collection method: clinical testing. Allele origin: germline.
Comment: Algorithms developed to predict the effect of missense changes on protein structure and function output the following: SIFT: "Tolerated"; PolyPhen-2: "Benign"; Align-GVGD: "Class C0". The glutamic acid amino acid residue is found in multiple mammalian species, which suggests that this missense change does not adversely affect protein function. In summary, the available evidence is currently insufficient to determine the role of this variant in disease. Therefore, it has been classified as a Variant of Uncertain Significance. This sequence change replaces aspartic acid, which is acidic and polar, with glutamic acid, which is acidic and polar, at codon 1009 of the ALK protein (p.Asp1009Glu). This variant is not present in population databases (gnomAD no frequency). This variant has not been reported in the literature in individuals affected with ALK-related conditions.

NM_004304.5(ALK):c.3027C>A (p.Asp1009Glu)

Gene: ALK (ALK receptor tyrosine kinase; minus strand). Cytogenetic location: 2p23.2.
Variant type: single nucleotide variant.
Coding change: c.3027C>A on transcript NM_004304.5 (MANE Select); coding-DNA position 3027, C replaced by A.
Protein change: p.Asp1009Glu; replaces aspartic acid 1009 with glutamic acid.
Molecular consequence: missense variant.
Genome position (GRCh38, 1-based): chr2:29,226,962, G>T on the plus strand (C>A on the coding strand, the complement: ALK is on the minus strand). VCF-style: chr2-29226962-G-T. GRCh37 (hg19) VCF-style: chr2-29449828-G-T.
Other names: short protein forms D1009E.
Identifiers: ClinVar variation 2816067 (VCV002816067.3), dbSNP rs2148178415, ClinGen allele CA346467606.
Genomic context (GRCh38, chr2:29,226,962, plus strand): 5'-CCCTGGCCCTGCCCCCTTACCAATGCAGGAGACGCCATCCTCAGCCAGCACCGTCCCGTG[G>T]TCACAGAAGCAGATGACCTTGTGGCTTTCAGGGTCCATGTGACATTCGTCTACCTCACAG-3'
Protein context (NP_004295.2, residues 999-1019): PESHKVICFC[Asp1009Glu]HGTVLAEDGV